The following is an entry in ClinVar:

ClinVar aggregate classification (germline): Uncertain significance. Review status: criteria provided, multiple submitters, no conflicts (2 of 4 stars). 2 submissions from 2 submitters: Uncertain significance (2). Last evaluated 2025-01-07.

Conditions:
Colorectal cancer, hereditary nonpolyposis, type 7. Identifiers: Orphanet 144, MedGen C1858380, MONDO:0013725, OMIM 614385.

Allele frequency attached by ClinVar (database versions not stated): ExAC 0.00002; gnomAD 0.00002; gnomAD exomes 0.00001; TOPMed 0.00001.
gnomAD v4.1: 24 of 1,614,080 alleles (0.0015%); highest among the groups gnomAD compares: African/African-American, 0.0027%; no homozygotes.

Submissions (2):

Ambry Genetics
Classification: Uncertain significance. Last evaluated: 2025-01-07. Review status: criteria provided, single submitter. Criteria: Ambry Variant Classification Scheme 2023. Collection method: clinical testing. Allele origin: germline.
Comment: The p.T1039M variant (also known as c.3116C>T), located in coding exon 1 of the MLH3 gene, results from a C to T substitution at nucleotide position 3116. The threonine at codon 1039 is replaced by methionine, an amino acid with similar properties. This amino acid position is conserved. In addition, this alteration is predicted to be tolerated by in silico analysis. Since supporting evidence is limited at this time, the clinical significance of this alteration remains unclear.

Labcorp Genetics (formerly Invitae), Labcorp
Classification: Uncertain significance for Colorectal cancer, hereditary nonpolyposis, type 7. Last evaluated: 2023-04-08. Review status: criteria provided, single submitter. Criteria: Invitae Variant Classification Sherloc (09022015). Collection method: clinical testing. Allele origin: germline.
Comment: In summary, the available evidence is currently insufficient to determine the role of this variant in disease. Therefore, it has been classified as a Variant of Uncertain Significance. An algorithm developed to predict the effect of missense changes on protein structure and function (PolyPhen-2) suggests that this variant is likely to be tolerated. ClinVar contains an entry for this variant (Variation ID: 1727804). This variant has not been reported in the literature in individuals affected with MLH3-related conditions. This variant is present in population databases (rs775868843, gnomAD 0.005%). This sequence change replaces threonine, which is neutral and polar, with methionine, which is neutral and non-polar, at codon 1039 of the MLH3 protein (p.Thr1039Met).

NM_001040108.2(MLH3):c.3116C>T (p.Thr1039Met)

Gene: MLH3 (mutL homolog 3; minus strand). Cytogenetic location: 14q24.3.
Variant type: single nucleotide variant.
Coding change: c.3116C>T on transcript NM_001040108.2 (MANE Select); coding-DNA position 3116, C replaced by T.
Protein change: p.Thr1039Met; replaces threonine 1039 with methionine.
Molecular consequence: missense variant.
Genome position (GRCh38, 1-based): chr14:75,046,540, G>A on the plus strand (C>T on the coding strand, the complement: MLH3 is on the minus strand). VCF-style: chr14-75046540-G-A. GRCh37 (hg19) VCF-style: chr14-75513243-G-A.
Other names: c.3116C>T, p.Thr1039Met (NM_014381.3); short protein forms T1039M.
Identifiers: ClinVar variation 1727804 (VCV001727804.6), dbSNP rs775868843, ClinGen allele CA7275588.